The following is an entry in ClinVar:

NM_024312.5(GNPTAB):c.3556A>T (p.Arg1186Ter)

Gene: GNPTAB (N-acetylglucosamine-1-phosphate transferase subunits alpha and beta; minus strand). Cytogenetic location: 12q23.2.
Variant type: single nucleotide variant.
Coding change: c.3556A>T on transcript NM_024312.5 (MANE Select); coding-DNA position 3556, A replaced by T.
Protein change: p.Arg1186Ter; replaces arginine 1186 with a stop codon.
Molecular consequence: nonsense.
Genome position (GRCh38, 1-based): chr12:101,753,418, T>A on the plus strand (A>T on the coding strand, the complement: GNPTAB is on the minus strand). VCF-style: chr12-101753418-T-A. GRCh37 (hg19) VCF-style: chr12-102147196-T-A.
Other names: short protein forms R1186*.
Identifiers: ClinVar variation 5013878 (VCV005013878.1).

ClinVar aggregate classification (germline): Pathogenic (1 of 4 stars; one submission).

Conditions:
GNPTAB-mucolipidosis. Also called: UDP-N-acetylglucosamine-1-phosphotransferase subunit alpha/beta deficiency. Identifiers: MedGen CN322573, MONDO:0100122.

Submission:

Myriad Genetics, Inc.
Classification: Pathogenic for GNPTAB-mucolipidosis. Last evaluated: 2024-12-21. Review status: criteria provided, single submitter. Criteria: Myriad Autosomal Dominant, Autosomal Recessive and X-Linked Classification Criteria (2023). Collection method: clinical testing. Allele origin: unknown.
Comment: NM_024312.4(GNPTAB):c.3556A>T(R1186*) is expected to be pathogenic in the context of GNPTAB-related disorders. This variant is predicted to lead to an abnormal or absent protein product due to the creation of a premature termination codon in GNPTAB, a gene where loss-of-function variants are known to be pathogenic. Please note: this variant was assessed in the context of healthy population screening.